The following is an entry in ClinVar:

NM_014709.4(USP34):c.8012T>G (p.Phe2671Cys)

Gene: USP34 (ubiquitin specific peptidase 34; minus strand). Cytogenetic location: 2p15.
Variant type: single nucleotide variant.
Coding change: c.8012T>G on transcript NM_014709.4 (MANE Select); coding-DNA position 8012, T replaced by G.
Protein change: p.Phe2671Cys; replaces phenylalanine 2671 with cysteine.
Molecular consequence: missense variant.
Genome position (GRCh38, 1-based): chr2:61,220,345, A>C on the plus strand (T>G on the coding strand, the complement: USP34 is on the minus strand). VCF-style: chr2-61220345-A-C. GRCh37 (hg19) VCF-style: chr2-61447480-A-C.
Other names: short protein forms F2671C.
Identifiers: ClinVar variation 4891418 (VCV004891418.1).

ClinVar aggregate classification (germline): Uncertain significance (1 of 4 stars; one submission).

Submission:

GeneDx
Classification: Uncertain significance. Last evaluated: 2023-11-27. Review status: criteria provided, single submitter. Criteria: GeneDx Variant Classification Process June 2021. Collection method: clinical testing. Allele origin: germline.
Comment: Not observed at significant frequency in large population cohorts (gnomAD); In silico analysis supports that this missense variant has a deleterious effect on protein structure/function; Has not been previously published as pathogenic or benign to our knowledge; Variants in candidate genes are classified as variants of uncertain significance in accordance with ACMG guidelines (PMID: 25741868)